The following is an entry in ClinVar:

ClinVar aggregate classification (germline): Pathogenic (1 of 4 stars; one submission).

Submission:

GeneDx
Classification: Pathogenic. Last evaluated: 2016-02-27. Review status: criteria provided, single submitter. Criteria: GeneDx Variant Classification (06012015). Collection method: clinical testing. Allele origin: germline. Affected: yes.
Comment: The c.360delA pathogenic variant in the PRKAR1A gene has not been reported previously as a pathogenic variant nor as a benign variant, to our knowledge. The c.360delA variant causes a frameshift starting with codon Aspartic Acid 121, changes this amino acid to an Isoleucine residue, and creates a premature Stop codon at position 8 of the new reading frame, denoted p.Asp121IlefsX8. This variant is predicted to cause loss of normal protein function either through protein truncation or nonsense-mediated mRNA decay. The c.360delA variant was not observed in approximately 6500 individuals of European and African American ancestry in the NHLBI Exome Sequencing Project, indicating it is not a common benign variant in these populations. We interpret c.360delA as a pathogenic variant.

NM_002734.5(PRKAR1A):c.360del (p.Asp121fs)

Gene: PRKAR1A (protein kinase cAMP-dependent type I regulatory subunit alpha; plus strand). Cytogenetic location: 17q24.2.
Variant type: Deletion.
Coding change: c.360del on transcript NM_002734.5 (MANE Select); coding-DNA position 360, one base deleted (A; older notation c.360delA).
Protein change: p.Asp121fs; shifts the reading frame from aspartic acid 121.
Molecular consequence: frameshift variant.
Genome position (GRCh38, 1-based): chr17:68,523,736, A deleted; the last of 4 consecutive A bases (chr17:68,523,733-68,523,736); deleting any one gives the same sequence. VCF-style (leftmost placement, unchanged base first): chr17-68523732-CA-C. GRCh37 (hg19) VCF-style: chr17-66519873-CA-C.
Other names: c.360del, p.Asp121fs (NM_001276289.2, NM_001276290.1, NM_001278433.2 and 4 more transcripts); short protein forms D121fs.
Identifiers: ClinVar variation 280301 (VCV000280301.2), dbSNP rs886041530, ClinGen allele CA10603319.
Genomic context (GRCh38, chr17:68,523,732, plus strand): 5'-GTGAAATGTTTTTGGTTTATGGAATTGTCATTTGACCTTCAGTTCTTTTCTAGGTTATAC[CA>C]AAAGATTACAAGACAATGGCCGCTTTAGCCAAAGCCATTGAAAAGAATGTGCTGTTTTCA-3'